The following is an entry in ClinVar:

ClinVar aggregate classification (germline): Pathogenic (1 of 4 stars; one submission).

Conditions:
PGM1-congenital disorder of glycosylation. Also called: Congenital disorder of glycosylation type 1t; PHOSPHOGLUCOMUTASE 1 DEFICIENCY; PGM1 DEFICIENCY; GLYCOGEN STORAGE DISEASE XIV; GSD XIV; CDG It. Identifiers: Orphanet 319646, MedGen C2752015, MONDO:0013968, OMIM 614921.

Submission:

Labcorp Genetics (formerly Invitae), Labcorp
Classification: Pathogenic for PGM1-congenital disorder of glycosylation. Last evaluated: 2022-10-26. Review status: criteria provided, single submitter. Criteria: Invitae Variant Classification Sherloc (09022015). Collection method: clinical testing. Allele origin: germline.
Comment: This premature translational stop signal has been observed in individual(s) with clinical features of PGM1-congenital disorder of glycosylation (PMID: 29858906). For these reasons, this variant has been classified as Pathogenic. This variant is not present in population databases (gnomAD no frequency). This sequence change creates a premature translational stop signal (p.Ile40Thrfs*28) in the PGM1 gene. It is expected to result in an absent or disrupted protein product. Loss-of-function variants in PGM1 are known to be pathogenic (PMID: 22492991).

Literature cited by the submitters: PubMed 29858906; PubMed 22492991.

NM_002633.3(PGM1):c.119del (p.Ile40fs)

Genes: PGM1 (phosphoglucomutase 1; plus strand), LOC129930668 (ATAC-STARR-seq lymphoblastoid active region 1127; plus strand). Cytogenetic location: 1p31.3.
Variant type: Deletion.
Coding change: c.119del on transcript NM_002633.3 (MANE Select); coding-DNA position 119, one base deleted (T; older notation c.119delT).
Protein change: p.Ile40fs; shifts the reading frame from isoleucine 40.
Molecular consequence: frameshift variant.
Genome position (GRCh38, 1-based): chr1:63,593,607, T deleted. VCF-style (leftmost placement, unchanged base first): chr1-63593606-AT-A. GRCh37 (hg19) VCF-style: chr1-64059277-AT-A.
Other names: short protein forms I40fs.
Identifiers: ClinVar variation 2151877 (VCV002151877.4), dbSNP rs2523788919, ClinGen allele CA2580063152.